The following is an entry in ClinVar:

ClinVar aggregate classification (germline): Uncertain significance. Review status: criteria provided, multiple submitters, no conflicts (2 of 4 stars). 3 submissions from 3 submitters: Uncertain significance (3). Last evaluated 2024-04-01.

Conditions:
Inborn genetic diseases. Identifiers: MedGen C0950123, MeSH D030342.
Facioscapulohumeral muscular dystrophy 2 (FSHD2). Also called: FACIOSCAPULOHUMERAL MUSCULAR DYSTROPHY 2, DIGENIC; FSHD2, DIGENIC; MUSCULAR DYSTROPHY, FACIOSCAPULOHUMERAL, TYPE 1B. Identifiers: Orphanet 269, MedGen C1834671, MONDO:0008031, OMIM 158901.

Allele frequency attached by ClinVar (database versions not stated): gnomAD exomes below 0.00001.
gnomAD v4.1: 1 of 1,412,826 alleles (0.000071%); highest among the groups gnomAD compares: Non-Finnish European, 0.000097%; no homozygotes.

Submissions (3):

Ambry Genetics
Classification: Uncertain significance for Inborn genetic diseases. Last evaluated: 2024-04-01. Review status: criteria provided, single submitter. Criteria: Ambry Variant Classification Scheme 2023. Collection method: clinical testing. Allele origin: germline.

Labcorp Genetics (formerly Invitae), Labcorp
Classification: Uncertain significance for Facioscapulohumeral muscular dystrophy 2. Last evaluated: 2022-06-20. Review status: criteria provided, single submitter. Criteria: Invitae Variant Classification Sherloc (09022015). Collection method: clinical testing. Allele origin: germline.
Comment: This variant is not present in population databases (gnomAD no frequency). This sequence change replaces isoleucine, which is neutral and non-polar, with methionine, which is neutral and non-polar, at codon 282 of the SMCHD1 protein (p.Ile282Met). This variant has not been reported in the literature in individuals affected with SMCHD1-related conditions. ClinVar contains an entry for this variant (Variation ID: 288873). Algorithms developed to predict the effect of missense changes on protein structure and function are either unavailable or do not agree on the potential impact of this missense change (SIFT: "Deleterious"; PolyPhen-2: "Probably Damaging"; Align-GVGD: "Class C0"). In summary, the available evidence is currently insufficient to determine the role of this variant in disease. Therefore, it has been classified as a Variant of Uncertain Significance.

Eurofins Ntd Llc (ga)
Classification: Uncertain significance. Last evaluated: 2016-07-26. Review status: criteria provided, single submitter. Criteria: EGL Classification Definitions 2015. Collection method: clinical testing. Allele origin: germline. Observed: 1 variant allele, 1 heterozygote.

NM_015295.3(SMCHD1):c.846A>G (p.Ile282Met)

Gene: SMCHD1 (structural maintenance of chromosomes flexible hinge domain containing 1; plus strand). Cytogenetic location: 18p11.32.
Variant type: single nucleotide variant.
Coding change: c.846A>G on transcript NM_015295.3 (MANE Select); coding-DNA position 846, A replaced by G.
Protein change: p.Ile282Met; replaces isoleucine 282 with methionine.
Molecular consequence: missense variant.
Genome position (GRCh38, 1-based): chr18:2,688,720, A>G. VCF-style: chr18-2688720-A-G. GRCh37 (hg19) VCF-style: chr18-2688718-A-G.
Other names: c.846A>G (NM_015295.2); short protein forms I282M.
Identifiers: ClinVar variation 288873 (VCV000288873.14), dbSNP rs886044033, ClinGen allele CA10606255.